The following is an entry in ClinVar:

ClinVar aggregate classification (germline): Uncertain significance. Review status: criteria provided, multiple submitters, no conflicts (2 of 4 stars). 3 submissions from 3 submitters: Uncertain significance (2). 1 of the submissions does not count toward it. Last evaluated 2021-12-23.

Conditions:
Familial dysautonomia. Also called: HSAN III; FD. Identifiers: Orphanet 1764, MedGen C0013364, MONDO:0009131, OMIM 223900. Disease mechanism: loss of function.

Allele frequency attached by ClinVar (database versions not stated): gnomAD 0.00001 and 0.00002; TOPMed 0.00001; gnomAD exomes 0.00002; ExAC 0.00003.
gnomAD v4.1: 24 of 1,612,874 alleles (0.0015%); highest among the groups gnomAD compares: East Asian, 0.036%; no homozygotes.

Submissions (3):

Labcorp Genetics (formerly Invitae), Labcorp
Classification: Uncertain significance. Last evaluated: 2021-12-23. Review status: criteria provided, single submitter. Criteria: Invitae Variant Classification Sherloc (09022015). Collection method: clinical testing. Allele origin: germline.
Comment: This sequence change replaces isoleucine, which is neutral and non-polar, with valine, which is neutral and non-polar, at codon 1296 of the ELP1 protein (p.Ile1296Val). This variant is present in population databases (rs762773957, gnomAD 0.02%). This variant has not been reported in the literature in individuals affected with ELP1-related conditions. ClinVar contains an entry for this variant (Variation ID: 834236). Algorithms developed to predict the effect of missense changes on protein structure and function are either unavailable or do not agree on the potential impact of this missense change (SIFT: "Deleterious"; PolyPhen-2: "Probably Damaging"; Align-GVGD: "Class C0"). In summary, the available evidence is currently insufficient to determine the role of this variant in disease. Therefore, it has been classified as a Variant of Uncertain Significance.

Ambry Genetics
Classification: Uncertain significance. Last evaluated: 2020-08-20. Review status: criteria provided, single submitter. Criteria: Ambry Variant Classification Scheme 2023. Collection method: clinical testing. Allele origin: germline.
Comment: The p.I1296V variant (also known as c.3886A>G), located in coding exon 35 of the IKBKAP gene, results from an A to G substitution at nucleotide position 3886. The isoleucine at codon 1296 is replaced by valine, an amino acid with highly similar properties. This amino acid position is highly conserved in available vertebrate species. In addition, this alteration is predicted to be tolerated by in silico analysis. Since supporting evidence is limited at this time, the clinical significance of this alteration remains unclear.

Natera, Inc.
Classification: Uncertain significance for Familial dysautonomia. Last evaluated: 2020-09-16. Review status: no assertion criteria provided. Collection method: clinical testing. Allele origin: germline. Not counted in ClinVar's aggregate classification.

NM_003640.5(ELP1):c.3886A>G (p.Ile1296Val)

Gene: ELP1 (elongator acetyltransferase complex subunit 1; minus strand). Cytogenetic location: 9q31.3.
Variant type: single nucleotide variant.
Coding change: c.3886A>G on transcript NM_003640.5 (MANE Select); coding-DNA position 3886, A replaced by G.
Protein change: p.Ile1296Val; replaces isoleucine 1296 with valine.
Molecular consequence: missense variant.
Genome position (GRCh38, 1-based): chr9:108,874,940, T>C on the plus strand (A>G on the coding strand, the complement: ELP1 is on the minus strand). VCF-style: chr9-108874940-T-C. GRCh37 (hg19) VCF-style: chr9-111637220-T-C.
Other names: c.3544A>G, p.Ile1182Val (NM_001318360.2); c.2839A>G, p.Ile947Val (NM_001330749.2); short protein forms I947V, I1182V, I1296V.
Identifiers: ClinVar variation 834236 (VCV000834236.6), dbSNP rs762773957, ClinGen allele CA5174144.